The following is an entry in ClinVar:

ClinVar aggregate classification (germline): Uncertain significance (1 of 4 stars; one submission).

Allele frequency attached by ClinVar (database versions not stated): gnomAD exomes 0.00001; TOPMed 0.00001; ExAC 0.00002.

Submission:

Labcorp Genetics (formerly Invitae), Labcorp
Classification: Uncertain significance. Last evaluated: 2024-08-29. Review status: criteria provided, single submitter. Criteria: Invitae Variant Classification Sherloc (09022015). Collection method: clinical testing. Allele origin: germline.
Comment: This sequence change replaces methionine, which is neutral and non-polar, with valine, which is neutral and non-polar, at codon 381 of the SON protein (p.Met381Val). This variant is present in population databases (rs754643811, gnomAD 0.05%), and has an allele count higher than expected for a pathogenic variant. This variant has not been reported in the literature in individuals affected with SON-related conditions. ClinVar contains an entry for this variant (Variation ID: 1942308). An algorithm developed to predict the effect of missense changes on protein structure and function outputs the following: PolyPhen-2: "Benign". The valine amino acid residue is found in multiple mammalian species, which suggests that this missense change does not adversely affect protein function. In summary, the available evidence is currently insufficient to determine the role of this variant in disease. Therefore, it has been classified as a Variant of Uncertain Significance.

NM_138927.4(SON):c.1141A>G (p.Met381Val)

Gene: SON (SON DNA and RNA binding protein; plus strand). Cytogenetic location: 21q22.11.
Variant type: single nucleotide variant.
Coding change: c.1141A>G on transcript NM_138927.4 (MANE Select); coding-DNA position 1141, A replaced by G.
Protein change: p.Met381Val; replaces methionine 381 with valine.
Molecular consequence: missense variant. On other transcripts: non-coding transcript variant (1), intron variant (1).
Genome position (GRCh38, 1-based): chr21:33,550,372, A>G. VCF-style: chr21-33550372-A-G. GRCh37 (hg19) VCF-style: chr21-34922678-A-G.
Other names: c.1141A>G, p.Met381Val (NM_001291411.2, NM_001412133.1, NM_032195.3 and 2 more transcripts); c.244+3993A>G (NM_001291412.3); short protein forms M381V.
Identifiers: ClinVar variation 1942308 (VCV001942308.5), dbSNP rs754643811, ClinGen allele CA10008827.